The following is an entry in ClinVar:

ClinVar aggregate classification (germline): Pathogenic (1 of 4 stars; one submission).

Submission:

Labcorp Genetics (formerly Invitae), Labcorp
Classification: Pathogenic. Last evaluated: 2021-06-12. Review status: criteria provided, single submitter. Criteria: Invitae Variant Classification Sherloc (09022015). Collection method: clinical testing. Allele origin: germline.
Comment: For these reasons, this variant has been classified as Pathogenic. This variant has not been reported in the literature in individuals with HPS5-related conditions. This variant is not present in population databases (ExAC no frequency). This sequence change creates a premature translational stop signal (p.Cys497Valfs*16) in the HPS5 gene. It is expected to result in an absent or disrupted protein product. Loss-of-function variants in HPS5 are known to be pathogenic (PMID: 12548288, 15296495, 21833017, 26785811).

Literature cited by the submitters: PubMed 12548288; PubMed 15296495; PubMed 21833017; PubMed 26785811.

NM_181507.2(HPS5):c.1487_1488dup (p.Cys497fs)

Gene: HPS5 (HPS5 biogenesis of lysosomal organelles complex 2 subunit 2; minus strand). Cytogenetic location: 11p15.1.
Variant type: Microsatellite.
Coding change: c.1487_1488dup on transcript NM_181507.2 (MANE Select); coding-DNA positions 1487 to 1488, 2 bases duplicated (GT; older notation c.1487_1488dupGT).
Protein change: p.Cys497fs; shifts the reading frame from cysteine 497.
Molecular consequence: frameshift variant.
Genome position (GRCh38, 1-based): chr11:18,296,820-18,296,821, AC duplicated on the plus strand (GT on the coding strand, the reverse complement: HPS5 is on the minus strand); duplicating any 2 consecutive bases within chr11:18,296,820-18,296,823 gives the same sequence; the c. name uses the placement nearest the transcript's 3' end. VCF-style (leftmost placement, unchanged base first): chr11-18296819-A-AAC. GRCh37 (hg19) VCF-style: chr11-18318366-A-AAC.
Other names: c.1145_1146dup, p.Cys383fs (NM_007216.4); c.1143_1144GT[3], p.Cys383Valfs (NM_181508.2); short protein forms C383fs, C497fs.
Identifiers: ClinVar variation 1455836 (VCV001455836.6), dbSNP rs2134334652, ClinGen allele CA2580615643.
Genomic context (GRCh38, chr11:18,296,819, plus strand): 5'-GGCTTCACATCAGGAACCAACAACAGACACATTCATCACCTTCATTTCCGTGTGAGCCAC[A>AAC]ACACTGATCTGGCAGGTCCTCTTCCTGCTGTGAGGTGAATTCTTTAAATCTCTCATCTTC-3'